The following is an entry in ClinVar:

NM_001005361.3(DNM2):c.385+6C>T

Gene: DNM2 (dynamin 2; plus strand). Cytogenetic location: 19p13.2.
Variant type: single nucleotide variant.
Coding change: c.385+6C>T on transcript NM_001005361.3 (MANE Select); 6 bases into the intron after coding-DNA position 385, C replaced by T.
Molecular consequence: intron variant.
Genome position (GRCh38, 1-based): chr19:10,772,634, C>T. VCF-style: chr19-10772634-C-T. GRCh37 (hg19) VCF-style: chr19-10883310-C-T.
Other names: c.385+6C>T (NM_001005360.3, NM_001190716.2, NM_004945.4 and 1 more transcripts).
Identifiers: ClinVar variation 1060362 (VCV001060362.7), dbSNP rs746068458, ClinGen allele CA9200772.
Genomic context (GRCh38, chr19:10,772,634, plus strand): 5'-ACCAACAAAGGCATCTCCCCAGTGCCCATCAACCTTCGAGTCTACTCGCCACACGGTAGG[C>T]AGCACGGGTGGGGACCCATCACTGACCGTTTCTGGTCGTTCATGGACAGTGCTATGGGTG-3'

ClinVar aggregate classification (germline): Uncertain significance (1 of 4 stars; one submission).

Conditions:
Charcot-Marie-Tooth disease dominant intermediate B (CMTDIB). Also called: CHARCOT-MARIE-TOOTH NEUROPATHY, DOMINANT INTERMEDIATE B; Charcot-Marie-Tooth disease dominant intermediate 1; CMT DI1; Charcot-Marie-Tooth disease dominant intermediate I. Identifiers: Orphanet 100044, Orphanet 228179, MedGen C1847902, MONDO:0011674, OMIM 606482.

Allele frequency attached by ClinVar (database versions not stated): gnomAD exomes below 0.00001; ExAC 0.00001.

Submission:

Labcorp Genetics (formerly Invitae), Labcorp
Classification: Uncertain significance for Charcot-Marie-Tooth disease dominant intermediate B. Last evaluated: 2020-06-27. Review status: criteria provided, single submitter. Criteria: Invitae Variant Classification Sherloc (09022015). Collection method: clinical testing. Allele origin: germline.
Comment: This sequence change falls in intron 3 of the DNM2 gene. It does not directly change the encoded amino acid sequence of the DNM2 protein, but it affects a nucleotide within the consensus splice site of the intron. In summary, the available evidence is currently insufficient to determine the role of this variant in disease. Therefore, it has been classified as a Variant of Uncertain Significance. Nucleotide substitutions within the consensus splice site are a relatively common cause of aberrant splicing (PMID: 17576681, 9536098). Algorithms developed to predict the effect of sequence changes on RNA splicing suggest that this variant may create or strengthen a splice site, but this prediction has not been confirmed by published transcriptional studies. This variant has not been reported in the literature in individuals with DNM2-related conditions. This variant is present in population databases (rs746068458, ExAC 0.002%).

Literature cited by the submitters: PubMed 17576681; PubMed 9536098.